The following is an entry in ClinVar:

ClinVar aggregate classification (germline): Uncertain significance. Review status: criteria provided, multiple submitters, no conflicts (2 of 4 stars). 2 submissions from 2 submitters: Uncertain significance (2). Last evaluated 2025-06-18.

Allele frequency attached by ClinVar (database versions not stated): TOPMed 0.00001; gnomAD 0.00006; gnomAD exomes 0.00006 and 0.00011; 1000 Genomes Project 0.00020; ExAC 0.00024; 1000 Genomes Project 30x 0.00047.
gnomAD v4.1: 94 of 1,606,064 alleles (0.0059%); highest among the groups gnomAD compares: South Asian, 0.1%; no homozygotes.

Submissions (2):

Ambry Genetics
Classification: Uncertain significance. Last evaluated: 2025-06-18. Review status: criteria provided, single submitter. Criteria: Ambry Variant Classification Scheme 2023. Collection method: clinical testing. Allele origin: germline.

Genetic Services Laboratory, University of Chicago
Classification: Uncertain significance. Last evaluated: 2019-12-27. Review status: criteria provided, single submitter. Criteria: ACMG Guidelines, 2015. Collection method: clinical testing. Allele origin: germline. Affected: no.
Comment: DNA sequence analysis of the ZNF407 gene demonstrated a sequence change, c.5936G>A, in exon 8 that results in an amino acid change, p.Gly1979Glu. This sequence change does not appear to have been previously described in patients with ZNF407-related disorders and has been described in the gnomAD database with a frequency of 0.089% in South Asian populations (dbSNP rs542110142). The p.Gly1979Glu change affects a poorly conserved amino acid residue located in a domain of the ZNF407 protein that is not known to be functional. In-silico pathogenicity prediction tools (SIFT, PolyPhen2, Align GVGD, REVEL) provide contradictory results for the p.Gly1979Glu substitution. Due to these contrasting evidences and the lack of functional studies, the clinical significance of the p.Gly1979Glu change remains unknown at this time.

NM_017757.3(ZNF407):c.5936G>A (p.Gly1979Glu)

Gene: ZNF407 (zinc finger protein 407; plus strand). Cytogenetic location: 18q22.3.
Variant type: single nucleotide variant.
Coding change: c.5936G>A on transcript NM_017757.3 (MANE Select); coding-DNA position 5936, G replaced by A.
Protein change: p.Gly1979Glu; replaces glycine 1979 with glutamic acid.
Molecular consequence: missense variant.
Genome position (GRCh38, 1-based): chr18:75,063,657, G>A. VCF-style: chr18-75063657-G-A. GRCh37 (hg19) VCF-style: chr18-72775613-G-A.
Other names: c.5936G>A, p.Gly1979Glu (NM_001384475.1); short protein forms G1979E.
Identifiers: ClinVar variation 1337484 (VCV001337484.5), dbSNP rs542110142, ClinGen allele CA9001250.
Genomic context (GRCh38, chr18:75,063,657, plus strand): 5'-CAGGTGGCGCTGTGATACAACAGGTGACCAAGCAGGAGATTTTAAACCTCTCGGAGGCTG[G>A]AGTCGCTCCCCCCGAGGCATCCTCAGCCCTGGATGCATTGCTCTGTGCGGTCACTGAATT-3'
Protein context (NP_060227.2, residues 1969-1989): KQEILNLSEA[Gly1979Glu]VAPPEASSAL